The following is an entry in ClinVar:

ClinVar aggregate classification (germline): Uncertain significance (1 of 4 stars; one submission).

gnomAD v4.1: 5 of 1,487,018 alleles (0.00034%); highest among the groups gnomAD compares: Non-Finnish European, 0.00044%; no homozygotes.

Submission:

Women's Health and Genetics/Laboratory Corporation of America, LabCorp
Classification: Uncertain significance. Last evaluated: 2025-05-09. Review status: criteria provided, single submitter. Criteria: LabCorp Variant Classification Summary - May 2015. Collection method: clinical testing. Allele origin: germline.
Comment: Variant summary: CPT1C c.1298G>T (p.Arg433Leu) results in a non-conservative amino acid change in the encoded protein sequence. Algorithms developed to predict the effect of missense changes on protein structure and function are either unavailable or do not agree on the potential impact of this missense change. The variant was absent in 114406 control chromosomes. The available data on variant occurrences in the general population are insufficient to allow any conclusion about variant significance. To our knowledge, no occurrence of c.1298G>T in individuals affected with Hereditary Spastic Paraplegia 73 and no experimental evidence demonstrating its impact on protein function have been reported. No submitters have cited clinical-significance assessments for this variant to ClinVar. Based on the evidence outlined above, the variant was classified as uncertain significance.

NM_001199753.2(CPT1C):c.1331G>T (p.Arg444Leu)

Gene: CPT1C (carnitine palmitoyltransferase 1C; plus strand). Cytogenetic location: 19q13.33.
Variant type: single nucleotide variant.
Coding change: c.1331G>T on transcript NM_001199753.2 (MANE Select); coding-DNA position 1331, G replaced by T.
Protein change: p.Arg444Leu; replaces arginine 444 with leucine.
Molecular consequence: missense variant. On other transcripts: non-coding transcript variant (1).
Genome position (GRCh38, 1-based): chr19:49,706,401, G>T. VCF-style: chr19-49706401-G-T. GRCh37 (hg19) VCF-style: chr19-50209658-G-T.
Other names: c.1298G>T, p.Arg433Leu (NM_001136052.3, NM_001378485.1, NM_001378487.1); c.1331G>T, p.Arg444Leu (NM_001199752.3, NM_001378483.1, NM_001378484.1 and 3 more transcripts); c.1397G>T, p.Arg466Leu (NM_001378482.1); short protein forms R433L, R444L, R466L.
Identifiers: ClinVar variation 3902367 (VCV003902367.1).